The following is an entry in ClinVar:

ClinVar aggregate classification (germline): Uncertain significance (1 of 4 stars; one submission).

Allele frequency attached by ClinVar (database versions not stated): gnomAD exomes below 0.00001; gnomAD 0.00001.
gnomAD v4.1: 4 of 1,598,000 alleles (0.00025%); highest among the groups gnomAD compares: Admixed American, 0.0017%; no homozygotes.

Submission:

Labcorp Genetics (formerly Invitae), Labcorp
Classification: Uncertain significance. Last evaluated: 2021-10-05. Review status: criteria provided, single submitter. Criteria: Invitae Variant Classification Sherloc (09022015). Collection method: clinical testing. Allele origin: germline.
Comment: This sequence change replaces glutamine with arginine at codon 20 of the PCARE protein (p.Gln20Arg). The glutamine residue is highly conserved and there is a small physicochemical difference between glutamine and arginine. This variant is not present in population databases (ExAC no frequency). This variant has not been reported in the literature in individuals affected with PCARE-related conditions. Algorithms developed to predict the effect of missense changes on protein structure and function (SIFT, PolyPhen-2, Align-GVGD) all suggest that this variant is likely to be tolerated. In summary, the available evidence is currently insufficient to determine the role of this variant in disease. Therefore, it has been classified as a Variant of Uncertain Significance.

NM_001029883.3(PCARE):c.59A>G (p.Gln20Arg)

Gene: PCARE (photoreceptor cilium actin regulator; minus strand). Cytogenetic location: 2p23.2.
Variant type: single nucleotide variant.
Coding change: c.59A>G on transcript NM_001029883.3 (MANE Select); coding-DNA position 59, A replaced by G.
Protein change: p.Gln20Arg; replaces glutamine 20 with arginine.
Molecular consequence: missense variant.
Genome position (GRCh38, 1-based): chr2:29,074,203, T>C on the plus strand (A>G on the coding strand, the complement: PCARE is on the minus strand). VCF-style: chr2-29074203-T-C. GRCh37 (hg19) VCF-style: chr2-29297069-T-C.
Other names: short protein forms Q20R.
Identifiers: ClinVar variation 1522993 (VCV001522993.6), dbSNP rs1667548616, ClinGen allele CA346483123.